The following is an entry in ClinVar:

NC_000006.12:g.(?_109691416)_(109691521_?)del

Gene: FIG4 (FIG4 phosphoinositide 5-phosphatase; plus strand). Cytogenetic location: 6q21.
Variant type: Deletion.
Identifiers: ClinVar variation 476840 (VCV000476840.7).

ClinVar aggregate classification (germline): Pathogenic (1 of 4 stars; one submission).

Conditions:
Charcot-Marie-Tooth disease type 4. Also called: Charcot-Marie-Tooth disease, type IV; Charcot-Marie-Tooth, Type 4. Identifiers: Orphanet 64749, MedGen C4082197, MONDO:0018995.

Submission:

Labcorp Genetics (formerly Invitae), Labcorp
Classification: Pathogenic for Charcot-Marie-Tooth disease type 4. Last evaluated: 2017-04-21. Review status: criteria provided, single submitter. Criteria: Invitae Variant Classification Sherloc (09022015). Collection method: clinical testing. Allele origin: germline.
Comment: For these reasons, this variant has been classified as Pathogenic. While this particular variant has not been reported in the literature, loss-of-function variants are known to be pathogenic in autosomal recessive FIG4-related conditions (PMID: 23623387). This variant is a gross deletion of the genomic region encompassing exons 1 of the FIG4 gene, which includes the initiator codon. The 5' end of this event is unknown as it extends beyond the assayed region for this gene and therefore may encompass additional genes. The 3' boundary is likely confined to intron 1 of the FIG4 gene. This is expected to result in an absent or disrupted protein product.

Literature cited by the submitters: PubMed 23623387.